The following is an entry in ClinVar:

ClinVar aggregate classification (germline): Likely pathogenic. Review status: reviewed by expert panel (3 of 4 stars). 3 submissions from 3 submitters: Likely pathogenic (1). 2 of the submissions do not count toward it. Last evaluated 2021-02-14.

Conditions:
Phenylketonuria (PKU). Also called: Phenylketonuria (PKU); FOLLING DISEASE; OLIGOPHRENIA PHENYLPYRUVICA; Phenylketonurias. Identifiers: Orphanet 716, MedGen C0031485, MONDO:0009861, OMIM 261600. Disease mechanism: loss of function.

Allele frequency attached by ClinVar (database versions not stated): gnomAD exomes below 0.00001; TOPMed below 0.00001.
gnomAD v4.1: 4 of 1,614,138 alleles (0.00025%); highest among the groups gnomAD compares: Non-Finnish European, 0.00034%; no homozygotes.

Submissions (3):

ClinGen PAH Variant Curation Expert Panel
Classification: Likely pathogenic for Phenylketonuria. Last evaluated: 2021-02-14. Review status: reviewed by expert panel. Criteria: ClinGen PAH ACMG Specifications v1. Collection method: curation. Allele origin: germline. Inheritance: Autosomal recessive inheritance.
Comment: The c.673C>G (p.Pro225Ala) variant in PAH has been reported in 1 individual with classic PKU (BH4 deficiency excluded, PMID: 29499199). This variant is absent in population databases. Multiple lines of computational evidence support a deleterious effect. Another missense change at the same amino acid, p.Pro225Thr, is interpreted as pathogenic by multiple submitters in ClinVar (variation ID 102779). In summary, this variant meets criteria to be classified as likely pathogenic for PAH. PAH-specific ACMG/AMP criteria applied: PP4_Moderate, PM2, PM5, PP3.

GeneDx
Classification: Likely pathogenic. Last evaluated: 2025-07-10. Review status: criteria provided, single submitter. Criteria: GeneDx Variant Classification Process June 2021. Collection method: clinical testing. Allele origin: germline. Affected: yes. Not counted in ClinVar's aggregate classification.
Comment: Not observed at significant frequency in large population cohorts (gnomAD); In silico analysis supports that this missense variant has a deleterious effect on protein structure/function; This variant is associated with the following publications: (PMID: 10527663, 32668217, 29499199, 16879198, 9792407)

DeBelle Laboratory for Biochemical Genetics, MUHC/MCH RESEARCH INSTITUTE
No classification provided. Review status: no classification provided. Collection method: not provided. Allele origin: not provided. Not counted in ClinVar's aggregate classification.

NM_000277.3(PAH):c.673C>G (p.Pro225Ala)

Gene: PAH (phenylalanine hydroxylase; minus strand). Cytogenetic location: 12q23.2.
Variant type: single nucleotide variant.
Coding change: c.673C>G on transcript NM_000277.3 (MANE Select); coding-DNA position 673, C replaced by G.
Protein change: p.Pro225Ala; replaces proline 225 with alanine.
Molecular consequence: missense variant.
Genome position (GRCh38, 1-based): chr12:102,855,169, G>C on the plus strand (C>G on the coding strand, the complement: PAH is on the minus strand). VCF-style: chr12-102855169-G-C. GRCh37 (hg19) VCF-style: chr12-103248947-G-C.
Other names: c.673C>G, p.Pro225Ala (NM_001354304.2); short protein forms P225A.
Identifiers: ClinVar variation 102780 (VCV000102780.5), dbSNP rs199475589, ClinGen allele CA229686.